The following is an entry in ClinVar:

ClinVar aggregate classification (germline): Uncertain significance (1 of 4 stars; one submission).

gnomAD v4.1: 1 of 1,608,816 alleles (0.000062%); highest among the groups gnomAD compares: Non-Finnish European, 0.000085%; no homozygotes.

Submission:

Labcorp Genetics (formerly Invitae), Labcorp
Classification: Uncertain significance. Last evaluated: 2021-02-19. Review status: criteria provided, single submitter. Criteria: Invitae Variant Classification Sherloc (09022015). Collection method: clinical testing. Allele origin: germline.
Comment: This variant has not been reported in the literature in individuals with KCNK4-related conditions. In summary, the available evidence is currently insufficient to determine the role of this variant in disease. Therefore, it has been classified as a Variant of Uncertain Significance. Algorithms developed to predict the effect of missense changes on protein structure and function are either unavailable or do not agree on the potential impact of this missense change (SIFT: "Not Available"; PolyPhen-2: "Benign"; Align-GVGD: "Not Available"). This variant is not present in population databases (ExAC no frequency). This sequence change replaces proline with alanine at codon 322 of the KCNK4 protein (p.Pro322Ala). The proline residue is moderately conserved and there is a small physicochemical difference between proline and alanine.

NM_033310.3(KCNK4):c.964C>G (p.Pro322Ala)

Genes: KCNK4 (potassium two pore domain channel subfamily K member 4; plus strand), KCNK4-CATSPERZ (KCNK4-CATSPERZ readthrough (NMD candidate); plus strand). Cytogenetic location: 11q13.1.
Variant type: single nucleotide variant.
Coding change: c.964C>G on transcript NM_033310.3 (MANE Select); coding-DNA position 964, C replaced by G.
Protein change: p.Pro322Ala; replaces proline 322 with alanine.
Molecular consequence: missense variant. On other transcripts: non-coding transcript variant (3).
Genome position (GRCh38, 1-based): chr11:64,299,508, C>G. VCF-style: chr11-64299508-C-G. GRCh37 (hg19) VCF-style: chr11-64066980-C-G.
Other names: c.964C>G, p.Pro322Ala (NM_001317090.2); short protein forms P322A.
Identifiers: ClinVar variation 1482482 (VCV001482482.6), dbSNP rs576679008, ClinGen allele CA381068272.